The following is an entry in ClinVar:

ClinVar aggregate classification (germline): Uncertain significance (1 of 4 stars; one submission).

Allele frequency attached by ClinVar (database versions not stated): gnomAD 0.00001.
gnomAD v4.1: 2 of 1,611,000 alleles (0.00012%); highest among the groups gnomAD compares: Middle Eastern, 0.033%; no homozygotes.

Submission:

Women's Health and Genetics/Laboratory Corporation of America, LabCorp
Classification: Uncertain significance. Last evaluated: 2024-01-18. Review status: criteria provided, single submitter. Criteria: LabCorp Variant Classification Summary - May 2015. Collection method: clinical testing. Allele origin: germline.
Comment: Variant summary: HNF1B c.352C>G (p.Pro118Ala) results in a non-conservative amino acid change located in the Hepatocyte nuclear factor 1, N-terminal (IPR006899) of the encoded protein sequence. Five of five in-silico tools predict a damaging effect of the variant on protein function. The frequency data for this variant in gnomAD is considered unreliable, as metrics indicate poor data quality at this position. To our knowledge, no occurrence of c.352C>G in individuals affected with Maturity Onset Diabetes Of The Young 5 (Renal Cysts And Diabetes Syndrome) and no experimental evidence demonstrating its impact on protein function have been reported. No submitters have cited clinical-significance assessments for this variant to ClinVar. Based on the evidence outlined above, the variant was classified as uncertain significance.

NM_000458.4(HNF1B):c.352C>G (p.Pro118Ala)

Gene: HNF1B (HNF1 homeobox B; minus strand). Cytogenetic location: 17q12.
Variant type: single nucleotide variant.
Coding change: c.352C>G on transcript NM_000458.4 (MANE Select); coding-DNA position 352, C replaced by G.
Protein change: p.Pro118Ala; replaces proline 118 with alanine.
Molecular consequence: missense variant.
Genome position (GRCh38, 1-based): chr17:37,739,632, G>C on the plus strand (C>G on the coding strand, the complement: HNF1B is on the minus strand). VCF-style: chr17-37739632-G-C. GRCh37 (hg19) VCF-style: chr17-36099623-G-C.
Other names: c.352C>G, p.Pro118Ala (NM_001165923.4, NM_001304286.2, NM_001411100.1); short protein forms P118A.
Identifiers: ClinVar variation 3063967 (VCV003063967.1), dbSNP rs745356532, ClinGen allele CA398751745.